The following is an entry in ClinVar:

NM_002890.3(RASA1):c.111G>C (p.Lys37Asn)

Gene: RASA1 (RAS p21 protein activator 1; plus strand). Cytogenetic location: 5q14.3.
Variant type: single nucleotide variant.
Coding change: c.111G>C on transcript NM_002890.3 (MANE Select); coding-DNA position 111, G replaced by C.
Protein change: p.Lys37Asn; replaces lysine 37 with asparagine.
Molecular consequence: missense variant.
Genome position (GRCh38, 1-based): chr5:87,268,562, G>C. VCF-style: chr5-87268562-G-C. GRCh37 (hg19) VCF-style: chr5-86564379-G-C.
Other names: short protein forms K37N.
Identifiers: ClinVar variation 2039905 (VCV002039905.4), dbSNP rs181218870, ClinGen allele CA3335328.

ClinVar aggregate classification (germline): Uncertain significance (1 of 4 stars; one submission).

Conditions:
Capillary malformation-arteriovenous malformation syndrome. Also called: Capillary malformation-arteriovenous malformation. Identifiers: Orphanet 137667, MedGen C1842180, MONDO:0012016.

Allele frequency attached by ClinVar (database versions not stated): ExAC 0.00002; gnomAD 0.00002; TOPMed 0.00002; gnomAD exomes 0.00004; 1000 Genomes Project 30x 0.00016; 1000 Genomes Project 0.00020.
gnomAD v4.1: 56 of 1,605,894 alleles (0.0035%); highest among the groups gnomAD compares: Non-Finnish European, 0.0047%; no homozygotes.

Submission:

Labcorp Genetics (formerly Invitae), Labcorp
Classification: Uncertain significance for Capillary malformation-arteriovenous malformation syndrome. Last evaluated: 2025-07-13. Review status: criteria provided, single submitter. Criteria: Invitae Variant Classification Sherloc (09022015). Collection method: clinical testing. Allele origin: germline.
Comment: This sequence change replaces lysine, which is basic and polar, with asparagine, which is neutral and polar, at codon 37 of the RASA1 protein (p.Lys37Asn). This variant is present in population databases (rs181218870, gnomAD 0.003%). This variant has not been reported in the literature in individuals affected with RASA1-related conditions. ClinVar contains an entry for this variant (Variation ID: 2039905). An algorithm developed to predict the effect of missense changes on protein structure and function (PolyPhen-2) suggests that this variant is likely to be tolerated. In summary, the available evidence is currently insufficient to determine the role of this variant in disease. Therefore, it has been classified as a Variant of Uncertain Significance.